The following is an entry in ClinVar:

NM_001458.5(FLNC):c.37G>C (p.Gly13Arg)

Gene: FLNC (filamin C; plus strand). Cytogenetic location: 7q32.1.
Variant type: single nucleotide variant.
Coding change: c.37G>C on transcript NM_001458.5 (MANE Select); coding-DNA position 37, G replaced by C.
Protein change: p.Gly13Arg; replaces glycine 13 with arginine.
Molecular consequence: missense variant.
Genome position (GRCh38, 1-based): chr7:128,830,674, G>C. VCF-style: chr7-128830674-G-C. GRCh37 (hg19) VCF-style: chr7-128470728-G-C.
Other names: c.37G>C, p.Gly13Arg (NM_001127487.2); short protein forms G13R.
Identifiers: ClinVar variation 1053580 (VCV001053580.7), dbSNP rs760318519, ClinGen allele CA369215471.

ClinVar aggregate classification (germline): Uncertain significance (1 of 4 stars; one submission).

Conditions:
Myofibrillar myopathy 5. Also called: FILAMINOPATHY, AUTOSOMAL DOMINANT; Filaminopathy (type). Identifiers: Orphanet 171445, MedGen C1836050, MONDO:0012289, OMIM 609524.
Distal myopathy with posterior leg and anterior hand involvement. Also called: WILLIAMS DISTAL MYOPATHY. Identifiers: Orphanet 63273, MedGen C3279722, MONDO:0013550, OMIM 614065.
Hypertrophic cardiomyopathy 26. Also called: Cardiomyopathy, familial hypertrophic, 26. Identifiers: Orphanet 75249, MedGen C4310749, MONDO:0014883, OMIM 617047.

gnomAD v4.1: 1 of 1,612,654 alleles (0.000062%); highest among the groups gnomAD compares: Non-Finnish European, 0.000085%; no homozygotes.

Submission:

Labcorp Genetics (formerly Invitae), Labcorp
Classification: Uncertain significance for Distal myopathy with posterior leg and anterior hand involvement; Myofibrillar myopathy 5; Hypertrophic cardiomyopathy 26. Last evaluated: 2022-03-19. Review status: criteria provided, single submitter. Criteria: Invitae Variant Classification Sherloc (09022015). Collection method: clinical testing. Allele origin: germline.
Comment: This sequence change replaces glycine, which is neutral and non-polar, with arginine, which is basic and polar, at codon 13 of the FLNC protein (p.Gly13Arg). This variant has not been reported in the literature in individuals affected with FLNC-related conditions. Algorithms developed to predict the effect of missense changes on protein structure and function (SIFT, PolyPhen-2, Align-GVGD) all suggest that this variant is likely to be tolerated. ClinVar contains an entry for this variant (Variation ID: 1053580). This variant is not present in population databases (gnomAD no frequency). In summary, the available evidence is currently insufficient to determine the role of this variant in disease. Therefore, it has been classified as a Variant of Uncertain Significance.